The following is an entry in ClinVar:

ClinVar aggregate classification (germline): Likely benign. Review status: criteria provided, single submitter (1 of 4 stars). 2 submissions from 2 submitters: Likely benign (1). 1 of the submissions does not count toward it. Last evaluated 2026-01-13.

Conditions:
PNPO-related disorder. Also called: PNPO-related disorders; PNPO-related condition.
Pyridoxal phosphate-responsive seizures (PNPOD). Also called: Pyridoxal 5'-Phosphate (PLP)-Dependent Epilepsy; EPILEPTIC ENCEPHALOPATHY, NEONATAL, PNPO-RELATED; Pyridoxamine 5-Prime-Phosphate Oxidase Deficiency; Pyridoxine-5'-phosphate oxidase deficiency; SEIZURES, PYRIDOXINE-RESISTANT, PLP-SENSITIVE. Identifiers: Orphanet 79096, MedGen C1864723, MONDO:0012407, OMIM 610090. Disease mechanism: loss of function.

Allele frequency attached by ClinVar (database versions not stated): TOPMed below 0.00001; gnomAD 0.00001 and 0.00002.

Submissions (2):

Labcorp Genetics (formerly Invitae), Labcorp
Classification: Likely benign for Pyridoxal phosphate-responsive seizures. Last evaluated: 2026-01-13. Review status: criteria provided, single submitter. Criteria: Invitae Variant Classification Sherloc (09022015). Collection method: clinical testing. Allele origin: germline.

PreventionGenetics, part of Exact Sciences
Classification: Likely benign for PNPO-related condition. Last evaluated: 2019-05-09. Review status: no assertion criteria provided. Collection method: clinical testing. Allele origin: germline. Not counted in ClinVar's aggregate classification.
Comment: This variant is classified as likely benign based on ACMG/AMP sequence variant interpretation guidelines (Richards et al. 2015 PMID: 25741868, with internal and published modifications).

NM_018129.4(PNPO):c.168T>G (p.Leu56=)

Gene: PNPO (pyridoxamine 5'-phosphate oxidase; plus strand). Cytogenetic location: 17q21.32.
Variant type: single nucleotide variant.
Coding change: c.168T>G on transcript NM_018129.4 (MANE Select); coding-DNA position 168, T replaced by G.
Protein change: p.Leu56=; no amino-acid change (leucine 56 retained).
Molecular consequence: synonymous variant.
Genome position (GRCh38, 1-based): chr17:47,943,335, T>G. VCF-style: chr17-47943335-T-G. GRCh37 (hg19) VCF-style: chr17-46020701-T-G.
Identifiers: ClinVar variation 415838 (VCV000415838.13), dbSNP rs1060504669, ClinGen allele CA16615451.